The following is an entry in ClinVar:

NM_012478.4(WBP2):c.23C>T (p.Ser8Leu)

Gene: WBP2 (WW domain binding protein 2; minus strand). Cytogenetic location: 17q25.1.
Variant type: single nucleotide variant.
Coding change: c.23C>T on transcript NM_012478.4 (MANE Select); coding-DNA position 23, C replaced by T.
Protein change: p.Ser8Leu; replaces serine 8 with leucine.
Molecular consequence: missense variant.
Genome position (GRCh38, 1-based): chr17:75,855,275, G>A on the plus strand (C>T on the coding strand, the complement: WBP2 is on the minus strand). VCF-style: chr17-75855275-G-A. GRCh37 (hg19) VCF-style: chr17-73851356-G-A.
Other names: c.23C>T, p.Ser8Leu (NM_001330499.2, NM_001348170.1); short protein forms S8L.
Identifiers: ClinVar variation 3679020 (VCV003679020.2).

ClinVar aggregate classification (germline): Uncertain significance (1 of 4 stars; one submission).

gnomAD v4.1: 2 of 1,606,040 alleles (0.00012%); highest among the groups gnomAD compares: Non-Finnish European, 0.00017%; no homozygotes.

Submission:

Labcorp Genetics (formerly Invitae), Labcorp
Classification: Uncertain significance. Last evaluated: 2024-04-01. Review status: criteria provided, single submitter. Criteria: Invitae Variant Classification Sherloc (09022015). Collection method: clinical testing. Allele origin: germline.
Comment: This sequence change replaces serine, which is neutral and polar, with leucine, which is neutral and non-polar, at codon 8 of the WBP2 protein (p.Ser8Leu). This variant is present in population databases (no rsID available, gnomAD 0.0009%). This variant has not been reported in the literature in individuals affected with WBP2-related conditions. Advanced modeling of protein sequence and biophysical properties (such as structural, functional, and spatial information, amino acid conservation, physicochemical variation, residue mobility, and thermodynamic stability) performed at Invitae indicates that this missense variant is not expected to disrupt WBP2 protein function with a negative predictive value of 80%. In summary, the available evidence is currently insufficient to determine the role of this variant in disease. Therefore, it has been classified as a Variant of Uncertain Significance.